The following is an entry in ClinVar:

ClinVar aggregate classification (germline): Uncertain significance (1 of 4 stars; one submission).

Conditions:
Early-infantile DEE. Also called: Early infantile epileptic encephalopathy; Early infantile epileptic encephalopathy with suppression bursts; Ohtahara syndrome. Identifiers: Orphanet 1934, MedGen C0393706, MONDO:0800491.

Submission:

Labcorp Genetics (formerly Invitae), Labcorp
Classification: Uncertain significance for Early-infantile DEE. Last evaluated: 2023-02-16. Review status: criteria provided, single submitter. Criteria: Invitae Variant Classification Sherloc (09022015). Collection method: clinical testing. Allele origin: germline.
Comment: This variant has not been reported in the literature in individuals affected with SCN8A-related conditions. This variant is not present in population databases (gnomAD no frequency). This sequence change replaces methionine, which is neutral and non-polar, with isoleucine, which is neutral and non-polar, at codon 1207 of the SCN8A protein (p.Met1207Ile). Advanced modeling of protein sequence and biophysical properties (such as structural, functional, and spatial information, amino acid conservation, physicochemical variation, residue mobility, and thermodynamic stability) has been performed at Invitae for this missense variant, however the output from this modeling did not meet the statistical confidence thresholds required to predict the impact of this variant on SCN8A protein function. In summary, the available evidence is currently insufficient to determine the role of this variant in disease. Therefore, it has been classified as a Variant of Uncertain Significance.

NM_001330260.2(SCN8A):c.3621G>C (p.Met1207Ile)

Gene: SCN8A (sodium voltage-gated channel alpha subunit 8; plus strand). Cytogenetic location: 12q13.13.
Variant type: single nucleotide variant.
Coding change: c.3621G>C on transcript NM_001330260.2 (MANE Select); coding-DNA position 3621, G replaced by C.
Protein change: p.Met1207Ile; replaces methionine 1207 with isoleucine.
Molecular consequence: missense variant.
Genome position (GRCh38, 1-based): chr12:51,770,659, G>C. VCF-style: chr12-51770659-G-C. GRCh37 (hg19) VCF-style: chr12-52164443-G-C.
Other names: c.3621G>C, p.Met1207Ile (NM_001177984.3, NM_001369788.1, NM_014191.4); short protein forms M1207I.
Identifiers: ClinVar variation 2837892 (VCV002837892.3), dbSNP rs2540271880, ClinGen allele CA384896960.